The following is an entry in ClinVar:

ClinVar aggregate classification (germline): Conflicting classifications of pathogenicity. Review status: criteria provided, conflicting classifications (1 of 4 stars). 5 submissions from 5 submitters: Uncertain significance (2); Likely benign (1). 2 of the submissions do not count toward it. Last evaluated 2026-03-05.

Conditions:
Cardiovascular phenotype. Identifiers: MedGen CN230736.
Dilated cardiomyopathy 1JJ (CMD1JJ). Identifiers: Orphanet 154, MedGen C3808935, MONDO:0014095, OMIM 615235.

gnomAD v4.1: 21 of 1,613,320 alleles (0.0013%); highest among the groups gnomAD compares: Non-Finnish European, 0.0015%; no homozygotes.

Submissions (5):

GeneDx
Classification: Uncertain significance. Last evaluated: 2026-03-05. Review status: criteria provided, single submitter. Criteria: GeneDx Variant Classification Process June 2021. Collection method: clinical testing. Allele origin: germline.
Comment: In silico analysis suggests that this missense variant does not alter protein structure/function; Has not been previously published as pathogenic or benign to our knowledge

Labcorp Genetics (formerly Invitae), Labcorp
Classification: Uncertain significance for Dilated cardiomyopathy 1JJ. Last evaluated: 2025-02-19. Review status: criteria provided, single submitter. Criteria: Invitae Variant Classification Sherloc (09022015). Collection method: clinical testing. Allele origin: germline.
Comment: This sequence change replaces leucine, which is neutral and non-polar, with valine, which is neutral and non-polar, at codon 1412 of the LAMA4 protein (p.Leu1412Val). The frequency data for this variant in the population databases is considered unreliable, as metrics indicate poor data quality at this position in the gnomAD database. This variant has not been reported in the literature in individuals affected with LAMA4-related conditions. ClinVar contains an entry for this variant (Variation ID: 849835). An algorithm developed to predict the effect of missense changes on protein structure and function (PolyPhen-2) suggests that this variant is likely to be tolerated. In summary, the available evidence is currently insufficient to determine the role of this variant in disease. Therefore, it has been classified as a Variant of Uncertain Significance.

Ambry Genetics
Classification: Likely benign for Cardiovascular phenotype. Last evaluated: 2024-03-27. Review status: criteria provided, single submitter. Criteria: Ambry Variant Classification Scheme 2023. Collection method: clinical testing. Allele origin: germline.

Clinical Genetics DNA and cytogenetics Diagnostics Lab, Erasmus MC, Erasmus Medical Center
Classification: Likely benign. Review status: no assertion criteria provided. Collection method: clinical testing. Allele origin: germline. Affected: yes. Study: VKGL Data-share Consensus. Not counted in ClinVar's aggregate classification.

Joint Genome Diagnostic Labs from Nijmegen and Maastricht, Radboudumc and MUMC+
Classification: Likely benign. Review status: no assertion criteria provided. Collection method: clinical testing. Allele origin: germline. Affected: yes. Study: VKGL Data-share Consensus. Not counted in ClinVar's aggregate classification.

NM_001105206.3(LAMA4):c.4255T>G (p.Leu1419Val)

Gene: LAMA4 (laminin subunit alpha 4; minus strand). Cytogenetic location: 6q21.
Variant type: single nucleotide variant.
Coding change: c.4255T>G on transcript NM_001105206.3 (MANE Select); coding-DNA position 4255, T replaced by G.
Protein change: p.Leu1419Val; replaces leucine 1419 with valine.
Molecular consequence: missense variant.
Genome position (GRCh38, 1-based): chr6:112,128,954, A>C on the plus strand (T>G on the coding strand, the complement: LAMA4 is on the minus strand). VCF-style: chr6-112128954-A-C. GRCh37 (hg19) VCF-style: chr6-112450156-A-C.
Other names: c.4234T>G, p.Leu1412Val (NM_001105207.3, NM_002290.5); c.4234T>G (NM_002290.3); short protein forms L1419V, L1412V.
Identifiers: ClinVar variation 849835 (VCV000849835.16), dbSNP rs782225670, ClinGen allele CA3965023.